The following is an entry in ClinVar:

NM_031307.4(PUS3):c.497G>A (p.Arg166Gln)

Genes: HYLS1 (HYLS1 centriolar and ciliogenesis associated; plus strand), PUS3 (pseudouridine synthase 3; minus strand). Cytogenetic location: 11q24.2.
Variant type: single nucleotide variant.
Coding change: c.497G>A on transcript NM_031307.4 (MANE Select); coding-DNA position 497, G replaced by A.
Protein change: p.Arg166Gln; replaces arginine 166 with glutamine.
Molecular consequence: missense variant. On other transcripts: 5 prime UTR variant (1), intron variant (5).
Genome position (GRCh38, 1-based): chr11:125,895,671, C>T on the plus strand (G>A on the coding strand, the complement: PUS3 is on the minus strand). VCF-style: chr11-125895671-C-T. GRCh37 (hg19) VCF-style: chr11-125765566-C-T.
Other names: c.-128G>A (NM_001271985.2); c.-80-3433C>T (NM_145014.3); c.-25-3673C>T (NM_001134793.2, NM_001377269.1); c.-22-3676C>T (NM_001424364.1, NM_001377270.1); short protein forms R166Q.
Identifiers: ClinVar variation 632594 (VCV000632594.13), dbSNP rs200876642, ClinGen allele CA6350502.

ClinVar aggregate classification (germline): Uncertain significance. Review status: criteria provided, multiple submitters, no conflicts (2 of 4 stars). 6 submissions from 6 submitters: Uncertain significance (4). 2 of the submissions do not count toward it. Last evaluated 2025-03-20.

Conditions:
Severe growth deficiency-strabismus-extensive dermal melanocytosis-intellectual disability syndrome (NEDMIGS). Also called: NEURODEVELOPMENTAL DISORDER WITH MICROCEPHALY AND GRAY SCLERAE. Identifiers: Orphanet 488627, MedGen C4310745, MONDO:0014886, OMIM 617051.
Genetic syndrome with a Dandy-Walker malformation as major feature.
Dandy-Walker syndrome (DWS). Identifiers: Orphanet 217, MedGen C0010964, MeSH D003616, MONDO:0009072, OMIM 220200.

Allele frequency attached by ClinVar (database versions not stated): gnomAD 0.00001 and 0.00002; gnomAD exomes 0.00001 and 0.00002; TOPMed 0.00002; ExAC 0.00003; 1000 Genomes Project 0.00020; 1000 Genomes Project 30x 0.00031.
gnomAD v4.1: 19 of 1,614,144 alleles (0.0012%); highest among the groups gnomAD compares: East Asian, 0.0067%; no homozygotes.

Submissions (6):

3billion
Classification: Uncertain significance for Severe growth deficiency-strabismus-extensive dermal melanocytosis-intellectual disability syndrome. Last evaluated: 2025-03-20. Review status: criteria provided, single submitter. Criteria: ACMG Guidelines, 2015. Collection method: clinical testing. Allele origin: germline. Affected: yes.

GeneDx
Classification: Uncertain significance. Last evaluated: 2024-03-29. Review status: criteria provided, single submitter. Criteria: GeneDx Variant Classification Process June 2021. Collection method: clinical testing. Allele origin: germline. Affected: yes.
Comment: In silico analysis supports that this missense variant has a deleterious effect on protein structure/function; This variant is associated with the following publications: (PMID: 30697592, 31474318, 34415064, 36125428, 37000312, 34713961)

Laboratorio de Genetica e Diagnostico Molecular, Hospital Israelita Albert Einstein
Classification: Uncertain significance for Severe growth deficiency-strabismus-extensive dermal melanocytosis-intellectual disability syndrome. Last evaluated: 2022-02-21. Review status: criteria provided, single submitter. Criteria: ACMG Guidelines, 2015. Collection method: clinical testing. Allele origin: germline. Affected: yes.
Comment: ACMG classification criteria: PS4 supporting, PM2 moderate, PM3 supporting, BP4 supporting

Labcorp Genetics (formerly Invitae), Labcorp
Classification: Uncertain significance. Last evaluated: 2021-12-02. Review status: criteria provided, single submitter. Criteria: Invitae Variant Classification Sherloc (09022015). Collection method: clinical testing. Allele origin: germline.
Comment: In summary, the available evidence is currently insufficient to determine the role of this variant in disease. Therefore, it has been classified as a Variant of Uncertain Significance. Algorithms developed to predict the effect of sequence changes on RNA splicing suggest that this variant may create or strengthen a splice site. Algorithms developed to predict the effect of missense changes on protein structure and function are either unavailable or do not agree on the potential impact of this missense change (SIFT: "Tolerated"; PolyPhen-2: "Possibly Damaging"; Align-GVGD: "Class C0"). ClinVar contains an entry for this variant (Variation ID: 632594). This missense change has been observed in individual(s) with clinical features of PUS3-related intellectual disability syndrome (PMID: 30697592, 31474318). It has also been observed to segregate with disease in related individuals. This variant is present in population databases (rs200876642, gnomAD 0.01%). This sequence change replaces arginine, which is basic and polar, with glutamine, which is neutral and polar, at codon 166 of the PUS3 protein (p.Arg166Gln).

Dobyns Lab, Seattle Children's Research Institute
Classification: Likely pathogenic for Mental retardation, autosomal recessive 55; Genetic syndrome with a Dandy-Walker malformation as major feature. Last evaluated: 2019-02-18. Review status: no assertion criteria provided. Collection method: research. Allele origin: germline. Affected: yes. Observed: 1 variant allele. Not counted in ClinVar's aggregate classification.

University of Washington Center for Mendelian Genomics, University of Washington
Classification: Likely pathogenic for Dandy-Walker malformation. Review status: no assertion criteria provided. Collection method: research. Allele origin: inherited. Affected: yes. Not counted in ClinVar's aggregate classification.

Literature cited by the submitters: PubMed 30697592 (cited by 3billion and Labcorp Genetics (formerly Invitae), Labcorp); PubMed 31474318 (cited by Labcorp Genetics (formerly Invitae), Labcorp and University of Washington Center for Mendelian Genomics, University of Washington).